The following is an entry in ClinVar:

NM_139027.6(ADAMTS13):c.330+1G>A

Gene: ADAMTS13 (ADAM metallopeptidase with thrombospondin type 1 motif 13; plus strand). Cytogenetic location: 9q34.2.
Variant type: single nucleotide variant.
Coding change: c.330+1G>A on transcript NM_139027.6 (MANE Select); the canonical splice donor site of the intron after coding-DNA position 330, G replaced by A.
Molecular consequence: splice donor variant.
Genome position (GRCh38, 1-based): chr9:133,424,479, G>A. VCF-style: chr9-133424479-G-A. GRCh37 (hg19) VCF-style: chr9-136289599-G-A.
Other names: c.330+1G>A (NM_139025.5, NM_139026.6).
Identifiers: ClinVar variation 632036 (VCV000632036.7), dbSNP rs375415632, ClinGen allele CA200880306.

ClinVar aggregate classification (germline): Pathogenic/Likely pathogenic. Review status: criteria provided, multiple submitters, no conflicts (2 of 4 stars). 3 submissions from 3 submitters: Pathogenic (2); Likely pathogenic (1). Last evaluated 2024-03-08.

Conditions:
Upshaw-Schulman syndrome (TTP). Also called: Congenital thrombotic thrombocytopenic purpura; THROMBOTIC THROMBOCYTOPENIC PURPURA, HEREDITARY. Identifiers: Orphanet 93583, MedGen C1268935, MONDO:0010122, OMIM 274150.

Allele frequency attached by ClinVar (database versions not stated): gnomAD exomes below 0.00001; ExAC 0.00001; TOPMed 0.00001; ESP Exome Variant Server 0.00008.
gnomAD v4.1: 2 of 1,612,710 alleles (0.00012%); highest among the groups gnomAD compares: Non-Finnish European, 0.00017%; no homozygotes.

Submissions (3):

Fulgent Genetics
Classification: Pathogenic for Upshaw-Schulman syndrome. Last evaluated: 2024-03-08. Review status: criteria provided, single submitter. Criteria: ACMG Guidelines, 2015. Collection method: clinical testing. Allele origin: germline.

Illumina Laboratory Services, Illumina
Classification: Likely pathogenic for Upshaw-Schulman syndrome. Last evaluated: 2018-10-30. Review status: criteria provided, single submitter. Criteria: ICSL Variant Classification Criteria 09 May 2019. Collection method: clinical testing. Allele origin: germline.
Comment: The ADAMTS13 c.330+1G>A variant occurs in a canonical splice site (donor) and is therefore predicted to disrupt or distort the normal gene product. The c.330+1G>A variant is reported in two studies in which it is found in a compound heterozygous state with two different missense variants in two individuals with familial thrombotic thrombocytopenia purpura (Uchida et al. 2004; Park et al. 2008). The variant was absent from 66 Japanese controls, but is reported at a frequency of 0.000059 in the East Asian population of the Genome Aggregation Database. This is based on one allele in a region of good sequence coverage so the variant is presumed to be rare. Both affected individuals demonstrated less than three percent of plasma ADAMTS13 activity compared to controls (Uchida et al. 2004; Park et al. 2008). Functional studies using a minigene system demonstrated that the variant resulted in aberrant splicing as predicted (Uchida et al. 2004). Based on the evidence the c.330+1G>A variant is classified as likely pathogenic for familial thrombotic thrombocytopenia purpura disease. This variant was observed by ICSL as part of a predisposition screen in an ostensibly healthy population.

Juno Genomics, Hangzhou Juno Genomics, Inc
Classification: Pathogenic for Upshaw-Schulman syndrome. Review status: criteria provided, single submitter. Criteria: ACMG Guidelines, 2015. Collection method: clinical testing. Allele origin: germline.
Comment: Absent from controls (or at extremely low frequency if recessive) in Genome Aggregation Database.;Null variant in a gene where loss of function (LOF) is a known mechanism of disease.;For recessive disorders, detected in trans with a pathogenic variant.;Patient's phenotype or family history is highly specific for a disease with a single genetic etiology.

Literature cited by the submitters: PubMed 15126318 (cited by Illumina Laboratory Services, Illumina); PubMed 18481107 (cited by Illumina Laboratory Services, Illumina).